The following is an entry in ClinVar:

ClinVar aggregate classification (germline): Uncertain significance (1 of 4 stars; one submission).

Conditions:
Hyperkalemic periodic paralysis. Also called: Familial hyperkalemic periodic paralysis; Gamstorp disease. Identifiers: Orphanet 682, MedGen C0238357, MONDO:0008224, OMIM 170500, HP:0007215.

Submission:

Labcorp Genetics (formerly Invitae), Labcorp
Classification: Uncertain significance for Hyperkalemic periodic paralysis. Last evaluated: 2024-03-25. Review status: criteria provided, single submitter. Criteria: Invitae Variant Classification Sherloc (09022015). Collection method: clinical testing. Allele origin: germline.
Comment: This sequence change replaces phenylalanine, which is neutral and non-polar, with tyrosine, which is neutral and polar, at codon 1577 of the SCN4A protein (p.Phe1577Tyr). This variant is not present in population databases (gnomAD no frequency). This variant has not been reported in the literature in individuals affected with SCN4A-related conditions. Advanced modeling of protein sequence and biophysical properties (such as structural, functional, and spatial information, amino acid conservation, physicochemical variation, residue mobility, and thermodynamic stability) performed at Invitae indicates that this missense variant is not expected to disrupt SCN4A protein function with a negative predictive value of 80%. In summary, the available evidence is currently insufficient to determine the role of this variant in disease. Therefore, it has been classified as a Variant of Uncertain Significance.

NM_000334.4(SCN4A):c.4730T>A (p.Phe1577Tyr)

Genes: GH-LCR (growth hormone locus control region; plus strand), SCN4A (sodium voltage-gated channel alpha subunit 4; minus strand). Cytogenetic location: 17q23.3.
Variant type: single nucleotide variant.
Coding change: c.4730T>A on transcript NM_000334.4 (MANE Select); coding-DNA position 4730, T replaced by A.
Protein change: p.Phe1577Tyr; replaces phenylalanine 1577 with tyrosine.
Molecular consequence: missense variant.
Genome position (GRCh38, 1-based): chr17:63,941,552, A>T on the plus strand (T>A on the coding strand, the complement: SCN4A is on the minus strand). VCF-style: chr17-63941552-A-T. GRCh37 (hg19) VCF-style: chr17-62018912-A-T.
Other names: short protein forms F1577Y.
Identifiers: ClinVar variation 3640237 (VCV003640237.2).
Genomic context (GRCh38, chr17:63,941,552, plus strand): 5'-ATGATGGCGATGTACATGTTGACCACGATGAGGAAGGAGATGATGATATAGCTGCAGAAG[A>T]AGCAGATGCCGATGGAGGGGTTGCCGCAGTCACCCTTGACACTGGTGCCCGGGTTCTCCA-3'
Protein context (NP_000325.4, residues 1567-1587): DCGNPSIGIC[Phe1577Tyr]FCSYIIISFL